The following is an entry in ClinVar:

ClinVar aggregate classification (germline): Benign/Likely benign. Review status: criteria provided, multiple submitters, no conflicts (2 of 4 stars). 6 submissions from 5 submitters: Benign (2); Likely benign (3). 1 of the submissions does not count toward it. Last evaluated 2026-01-15.

Conditions:
KRT1-related disorder. Also called: KRT1-related condition.
Epidermolytic ichthyosis. Also called: KRT10-Related Epidermolytic Hyperkeratosis; Epidermolytic Hyperkeratosis; Bullous ichthyosiform erythroderma; Congenital bullous ichthyosiform erythroderma. Identifiers: Orphanet 312, MedGen C0079153, MONDO:0007239, HP:0007475.
Diffuse nonepidermolytic palmoplantar keratoderma (NEPPK). Also called: Nonepidermolytic palmoplantar hyperkeratosis; Nonepidermolytic palmoplantar keratoderma. Identifiers: Orphanet 530838, MedGen C1833030, MONDO:0010962, OMIM 600962, HP:0007404.

Allele frequency attached by ClinVar (database versions not stated): ESP Exome Variant Server 0.00185; gnomAD exomes 0.00267 and 0.00125; 1000 Genomes Project 30x 0.00109; 1000 Genomes Project 0.00120; ExAC 0.00141; gnomAD 0.00146 and 0.00148; TOPMed 0.00150.

Submissions (6):

Labcorp Genetics (formerly Invitae), Labcorp
Classification: Likely benign. Last evaluated: 2026-01-15. Review status: criteria provided, single submitter. Criteria: Invitae Variant Classification Sherloc (09022015). Collection method: clinical testing. Allele origin: germline.

Blueprint Genetics
Classification: Likely benign. Last evaluated: 2024-11-20. Review status: criteria provided, single submitter. Criteria: ACMG Guidelines, 2015. Collection method: clinical testing. Allele origin: germline.

Illumina Laboratory Services, Illumina
Classification: Benign for Epidermolytic hyperkeratosis 1. Last evaluated: 2018-01-12. Review status: criteria provided, single submitter. Criteria: ICSL Variant Classification Criteria 13 December 2019. Collection method: clinical testing. Allele origin: germline.
Comment: This variant was observed in the ICSL laboratory as part of a predisposition screen in an ostensibly healthy population. It had not been previously curated by ICSL or reported in the Human Gene Mutation Database (HGMD: prior to June 1st, 2018), and was therefore a candidate for classification through an automated scoring system. Utilizing variant allele frequency, disease prevalence and penetrance estimates, and inheritance mode, an automated score was calculated to assess if this variant is too frequent to cause the disease. Based on the score and internal cut-off values, a variant classified as benign is not then subjected to further curation. The score for this variant resulted in a classification of benign for this disease.

Illumina Laboratory Services, Illumina
Classification: Benign for Diffuse nonepidermolytic palmoplantar keratoderma. Last evaluated: 2018-01-12. Review status: criteria provided, single submitter. Criteria: ICSL Variant Classification Criteria 13 December 2019. Collection method: clinical testing. Allele origin: germline.
Comment: the same text as in the submission from Illumina Laboratory Services, Illumina above.

GeneDx
Classification: Likely benign. Last evaluated: 2018-01-03. Review status: criteria provided, single submitter. Criteria: GeneDx Variant Classification (06012015). Collection method: clinical testing. Allele origin: germline. Affected: yes.
Comment: This variant is considered likely benign or benign based on one or more of the following criteria: it is a conservative change, it occurs at a poorly conserved position in the protein, it is predicted to be benign by multiple in silico algorithms, and/or has population frequency not consistent with disease.

PreventionGenetics, part of Exact Sciences
Classification: Likely benign for KRT1-related condition. Last evaluated: 2023-12-13. Review status: no assertion criteria provided. Collection method: clinical testing. Allele origin: germline. Not counted in ClinVar's aggregate classification.
Comment: This variant is classified as likely benign based on ACMG/AMP sequence variant interpretation guidelines (Richards et al. 2015 PMID: 25741868, with internal and published modifications).

NM_006121.4(KRT1):c.113G>A (p.Arg38His)

Gene: KRT1 (keratin 1; minus strand). Cytogenetic location: 12q13.13.
Variant type: single nucleotide variant.
Coding change: c.113G>A on transcript NM_006121.4 (MANE Select); coding-DNA position 113, G replaced by A.
Protein change: p.Arg38His; replaces arginine 38 with histidine.
Molecular consequence: missense variant.
Genome position (GRCh38, 1-based): chr12:52,680,236, C>T on the plus strand (G>A on the coding strand, the complement: KRT1 is on the minus strand). VCF-style: chr12-52680236-C-T. GRCh37 (hg19) VCF-style: chr12-53074020-C-T.
Other names: short protein forms R38H.
Identifiers: ClinVar variation 309656 (VCV000309656.17), dbSNP rs34787940, ClinGen allele CA6586497.
Genomic context (GRCh38, chr12:52,680,236, plus strand): 5'-GCACCAAAGCTACCACCACCACCACCACAGCTTGAAAATCTCCCACCACCTCCTCCACTG[C>T]GGCGTGTGGAGCTGCTGGTGGTCCTGCGCTGGTAGTTGATGATCCCAGCAGAGCCAGAGC-3'
Protein context (NP_006112.3, residues 28-48): QRRTTSSSTR[Arg38His]SGGGGGRFSS